The following is an entry in ClinVar:

NM_001100913.3(PACS2):c.1634G>A (p.Cys545Tyr)

Gene: PACS2 (phosphofurin acidic cluster sorting protein 2; plus strand). Cytogenetic location: 14q32.33.
Variant type: single nucleotide variant.
Coding change: c.1634G>A on transcript NM_001100913.3 (MANE Select); coding-DNA position 1634, G replaced by A.
Protein change: p.Cys545Tyr; replaces cysteine 545 with tyrosine.
Molecular consequence: missense variant.
Genome position (GRCh38, 1-based): chr14:105,383,367, G>A. VCF-style: chr14-105383367-G-A. GRCh37 (hg19) VCF-style: chr14-105849704-G-A.
Other names: c.1397G>A, p.Cys466Tyr (NM_001243127.3); c.1622G>A, p.Cys541Tyr (NM_015197.4); short protein forms C545Y, C466Y, C541Y.
Identifiers: ClinVar variation 1945754 (VCV001945754.5), dbSNP rs782391411, ClinGen allele CA7388944.
Genomic context (GRCh38, chr14:105,383,367, plus strand): 5'-GCTCCCCTGAGGCGTCTGTCCCCTCTCCGTCCCACCTGCCTCTGGATTGCAGCTGCAACT[G>A]CAATTCCCAGCCCCCGACCCCCGTGAAGATCGCCGTGGCGGGAGCGCAGCATTACCTCAG-3'
Protein context (NP_001094383.2, residues 535-555): IVSRIQRYCN[Cys545Tyr]NSQPPTPVKI

ClinVar aggregate classification (germline): Uncertain significance (1 of 4 stars; one submission).

Allele frequency attached by ClinVar (database versions not stated): gnomAD exomes below 0.00001; ExAC 0.00001; gnomAD 0.00003; TOPMed 0.00003.
gnomAD v4.1: 5 of 1,607,040 alleles (0.00031%); highest among the groups gnomAD compares: African/African-American, 0.0067%; no homozygotes.

Submission:

Labcorp Genetics (formerly Invitae), Labcorp
Classification: Uncertain significance. Last evaluated: 2025-12-16. Review status: criteria provided, single submitter. Criteria: Invitae Variant Classification Sherloc (09022015). Collection method: clinical testing. Allele origin: germline.
Comment: This sequence change replaces cysteine, which is neutral and slightly polar, with tyrosine, which is neutral and polar, at codon 545 of the PACS2 protein (p.Cys545Tyr). This variant is present in population databases (rs782391411, gnomAD 0.02%). This variant has not been reported in the literature in individuals affected with PACS2-related conditions. ClinVar contains an entry for this variant (Variation ID: 1945754). Invitae Evidence Modeling of protein sequence and biophysical properties (such as structural, functional, and spatial information, amino acid conservation, physicochemical variation, residue mobility, and thermodynamic stability) has been performed for this missense variant. However, the output from this modeling did not meet the statistical confidence thresholds required to predict the impact of this variant on PACS2 protein function. In summary, the available evidence is currently insufficient to determine the role of this variant in disease. Therefore, it has been classified as a Variant of Uncertain Significance.